The following is an entry in ClinVar:

ClinVar aggregate classification (germline): Uncertain significance (1 of 4 stars; one submission).

Conditions:
Inborn genetic diseases. Identifiers: MedGen C0950123, MeSH D030342.

Submission:

Ambry Genetics
Classification: Uncertain significance for Inborn genetic diseases. Last evaluated: 2024-03-28. Review status: criteria provided, single submitter. Criteria: Ambry Variant Classification Scheme 2023. Collection method: clinical testing. Allele origin: germline.
Comment: The c.610G>T (p.G204C) alteration is located in exon 3 (coding exon 1) of the HYAL2 gene. This alteration results from a G to T substitution at nucleotide position 610, causing the glycine (G) at amino acid position 204 to be replaced by a cysteine (C). Based on data from gnomAD, the T allele has an overall frequency of <0.001% (1/251118) total alleles studied. The highest observed frequency was 0.001% (1/113552) of European (non-Finnish) alleles. Another alteration at the same codon, c.611G>C (p.G204A), has been reported homozygous in an individual with features consistent with HYAL2 deficiency syndrome (Fasham, 2022). This amino acid position is highly conserved in available vertebrate species. This alteration is predicted to be deleterious by in silico analysis. Based on insufficient or conflicting evidence, the clinical significance of this alteration remains unclear.

Literature cited by the submitters: PubMed 34906488.

NM_003773.5(HYAL2):c.610G>T (p.Gly204Cys)

Gene: HYAL2 (hyaluronidase 2; minus strand). Cytogenetic location: 3p21.31.
Variant type: single nucleotide variant.
Coding change: c.610G>T on transcript NM_003773.5 (MANE Select); coding-DNA position 610, G replaced by T.
Protein change: p.Gly204Cys; replaces glycine 204 with cysteine.
Molecular consequence: missense variant.
Genome position (GRCh38, 1-based): chr3:50,319,880, C>A on the plus strand (G>T on the coding strand, the complement: HYAL2 is on the minus strand). VCF-style: chr3-50319880-C-A. GRCh37 (hg19) VCF-style: chr3-50357311-C-A.
Other names: c.610G>T, p.Gly204Cys (NM_033158.5); short protein forms G204C.
Identifiers: ClinVar variation 3285101 (VCV003285101.1).
Genomic context (GRCh38, chr3:50,319,880, plus strand): 5'-TGTAGCTCTCCCAGTTCTGCACATAATCATGATTGTAGCAGTCAGGAAAGAGGTAGAAGC[C>A]CCAGAGGTGCCGGGGCCGCACTGCCTTGACATAACGCAGTGTCTCCAGCATGAACTGCTG-3'
Protein context (NP_003764.3, residues 194-214): VKAVRPRHLW[Gly204Cys]FYLFPDCYNH